The following is an entry in ClinVar:

ClinVar aggregate classification (germline): Benign. Review status: criteria provided, multiple submitters, no conflicts (2 of 4 stars). 2 submissions from 2 submitters: Benign (2). Last evaluated 2018-01-13.

Conditions:
Hennekam lymphangiectasia-lymphedema syndrome 1 (HKLLS1). Also called: LYMPHATIC DYSPLASIA, GENERALIZED. Identifiers: Orphanet 2136, MedGen C4012050, MONDO:0009337, OMIM 235510.

Allele frequency attached by ClinVar (database versions not stated): gnomAD exomes 0.72222; gnomAD 0.82960 and 0.83166; TOPMed 0.83297; 1000 Genomes Project 30x 0.85681; 1000 Genomes Project 0.85903.
gnomAD v4.1: 126,371 of 152,010 alleles (83%); highest among the groups gnomAD compares: South Asian, 91%; 52,642 homozygotes.

Submissions (2):

Illumina Laboratory Services, Illumina
Classification: Benign for Hennekam lymphangiectasia-lymphedema syndrome 1. Last evaluated: 2018-01-13. Review status: criteria provided, single submitter. Criteria: ICSL Variant Classification Criteria 13 December 2019. Collection method: clinical testing. Allele origin: germline.
Comment: This variant was observed in the ICSL laboratory as part of a predisposition screen in an ostensibly healthy population. It had not been previously curated by ICSL or reported in the Human Gene Mutation Database (HGMD: prior to June 1st, 2018), and was therefore a candidate for classification through an automated scoring system. Utilizing variant allele frequency, disease prevalence and penetrance estimates, and inheritance mode, an automated score was calculated to assess if this variant is too frequent to cause the disease. Based on the score and internal cut-off values, a variant classified as benign is not then subjected to further curation. The score for this variant resulted in a classification of benign for this disease.

Breakthrough Genomics
Classification: Benign. Review status: criteria provided, single submitter. Criteria: ACMG Guidelines, 2015. Collection method: not provided. Allele origin: germline. Inheritance: Autosomal recessive inheritance. Affected: yes.

NM_133459.4(CCBE1):c.*3805T>C

Gene: CCBE1 (collagen and calcium binding EGF domains 1; minus strand). Cytogenetic location: 18q21.32.
Variant type: single nucleotide variant.
Coding change: c.*3805T>C on transcript NM_133459.4 (MANE Select); 3805 bases downstream of the stop codon, T replaced by C.
Molecular consequence: 3 prime UTR variant.
Genome position (GRCh38, 1-based): chr18:59,432,103, A>G on the plus strand (T>C on the coding strand, the complement: CCBE1 is on the minus strand). VCF-style: chr18-59432103-A-G. GRCh37 (hg19) VCF-style: chr18-57099335-A-G.
Other names: c.*3805T>C (LRG_1209t1).
Identifiers: ClinVar variation 327603 (VCV000327603.6), dbSNP rs4940462, ClinGen allele CA10652014.